The following is an entry in ClinVar:

NM_001378414.1(HDAC4):c.1120G>A (p.Glu374Lys)

Gene: HDAC4 (histone deacetylase 4; minus strand). Cytogenetic location: 2q37.3.
Variant type: single nucleotide variant.
Coding change: c.1120G>A on transcript NM_001378414.1 (MANE Select); coding-DNA position 1120, G replaced by A.
Protein change: p.Glu374Lys; replaces glutamic acid 374 with lysine.
Molecular consequence: missense variant.
Genome position (GRCh38, 1-based): chr2:239,134,419, C>T on the plus strand (G>A on the coding strand, the complement: HDAC4 is on the minus strand). VCF-style: chr2-239134419-C-T. GRCh37 (hg19) VCF-style: chr2-240056115-C-T.
Other names: c.1120G>A, p.Glu374Lys (NM_001378415.1, NM_001378416.1, NM_001378417.1 and 1 more transcripts); short protein forms E374K.
Identifiers: ClinVar variation 707111 (VCV000707111.16), dbSNP rs370963321, ClinGen allele CA2199895.
Genomic context (GRCh38, chr2:239,134,419, plus strand): 5'-TGAGGTGGGTGCCGGGGAAAAGGGAGAGCCTCTGCTGGAGGGCGGGAAGGGTGAGTCTCT[C>T]GGCGTCCTGCTGGCCCGCCGTGCCCTGGAAAGCACAGCCAGGATGCTCGGGTGGAAGGAC-3'
Protein context (NP_001365343.1, residues 364-384): SAGTAGQQDA[Glu374Lys]RLTLPALQQR

ClinVar aggregate classification (germline): Benign. Review status: criteria provided, multiple submitters, no conflicts (2 of 4 stars). 2 submissions from 2 submitters: Benign (2). Last evaluated 2025-04-01.

Allele frequency attached by ClinVar (database versions not stated): gnomAD 0.00001 and 0.00008; TOPMed 0.00003; ESP Exome Variant Server 0.00008; 1000 Genomes Project 0.00060; gnomAD exomes 0.00060; 1000 Genomes Project 30x 0.00062; ExAC 0.00070.
gnomAD v4.1: 402 of 1,613,186 alleles (0.025%); highest among the groups gnomAD compares: South Asian, 0.4%; 10 homozygotes.

Submissions (2):

CeGaT Center for Human Genetics Tuebingen
Classification: Benign. Last evaluated: 2025-04-01. Review status: criteria provided, single submitter. Criteria: CeGaT Center For Human Genetics Tuebingen Variant Classification Criteria Version 2. Collection method: clinical testing. Allele origin: germline. Affected: yes. Observed: 1 variant allele.
Comment: HDAC4: BS1, BS2

Labcorp Genetics (formerly Invitae), Labcorp
Classification: Benign. Last evaluated: 2024-12-18. Review status: criteria provided, single submitter. Criteria: Invitae Variant Classification Sherloc (09022015). Collection method: clinical testing. Allele origin: germline.